The following is an entry in ClinVar:

NM_022082.4(SLC17A9):c.1038C>T (p.Ile346=)

Gene: SLC17A9 (solute carrier family 17 member 9; plus strand). Cytogenetic location: 20q13.33.
Variant type: single nucleotide variant.
Coding change: c.1038C>T on transcript NM_022082.4 (MANE Select); coding-DNA position 1038, C replaced by T.
Protein change: p.Ile346=; no amino-acid change (isoleucine 346 retained).
Molecular consequence: synonymous variant.
Genome position (GRCh38, 1-based): chr20:62,965,702, C>T. VCF-style: chr20-62965702-C-T. GRCh37 (hg19) VCF-style: chr20-61597054-C-T.
Other names: c.1020C>T, p.Ile340= (NM_001302643.2).
Identifiers: ClinVar variation 3033958 (VCV003033958.2), dbSNP rs750714343, ClinGen allele CA9953201.

ClinVar aggregate classification (germline): Likely benign (0 of 4 stars; one submission).

Conditions:
SLC17A9-related disorder. Also called: SLC17A9-related condition.

gnomAD v4.1: 20 of 1,613,902 alleles (0.0012%); highest among the groups gnomAD compares: African/African-American, 0.0013%; no homozygotes.

Submission:

PreventionGenetics, part of Exact Sciences
Classification: Likely benign for SLC17A9-related condition. Last evaluated: 2019-06-12. Review status: no assertion criteria provided. Collection method: clinical testing. Allele origin: germline.
Comment: This variant is classified as likely benign based on ACMG/AMP sequence variant interpretation guidelines (Richards et al. 2015 PMID: 25741868, with internal and published modifications).